The following is an entry in ClinVar:

ClinVar aggregate classification (germline): Likely benign (0 of 4 stars; one submission).

Conditions:
CC2D2A-related disorder. Also called: CC2D2A-related disorders; CC2D2A-related condition. Identifiers: MedGen CN239313.

gnomAD v4.1: 4 of 1,613,308 alleles (0.00025%); highest among the groups gnomAD compares: East Asian, 0.0045%; no homozygotes.

Submission:

PreventionGenetics, part of Exact Sciences
Classification: Likely benign for CC2D2A-related condition. Last evaluated: 2024-08-02. Review status: no assertion criteria provided. Collection method: clinical testing. Allele origin: germline.
Comment: This variant is classified as likely benign based on ACMG/AMP sequence variant interpretation guidelines (Richards et al. 2015 PMID: 25741868, with internal and published modifications).

NM_001378615.1(CC2D2A):c.1272G>A (p.Glu424=)

Genes: CC2D2A (coiled-coil and C2 domain containing 2A; plus strand), FBXL5 (F-box and leucine rich repeat protein 5; minus strand). Cytogenetic location: 4p15.32.
Variant type: single nucleotide variant.
Coding change: c.1272G>A on transcript NM_001378615.1 (MANE Select); coding-DNA position 1272, G replaced by A.
Protein change: p.Glu424=; no amino-acid change (glutamic acid 424 retained).
Molecular consequence: synonymous variant.
Genome position (GRCh38, 1-based): chr4:15,527,569, G>A. VCF-style: chr4-15527569-G-A. GRCh37 (hg19) VCF-style: chr4-15529192-G-A.
Other names: c.1272G>A, p.Glu424= (NM_001080522.2); c.1125G>A, p.Glu375= (NM_001378617.1).
Identifiers: ClinVar variation 3345759 (VCV003345759.1).